The following is an entry in ClinVar:

NM_018979.4(WNK1):c.6883A>T (p.Met2295Leu)

Gene: WNK1 (WNK lysine deficient protein kinase 1; plus strand). Cytogenetic location: 12p13.33.
Variant type: single nucleotide variant.
Coding change: c.6883A>T on transcript NM_018979.4 (MANE Select); coding-DNA position 6883, A replaced by T.
Protein change: p.Met2295Leu; replaces methionine 2295 with leucine.
Molecular consequence: missense variant.
Genome position (GRCh38, 1-based): chr12:908,526, A>T. VCF-style: chr12-908526-A-T. GRCh37 (hg19) VCF-style: chr12-1017692-A-T.
Other names: c.7663A>T, p.Met2555Leu (NM_001184985.2); c.6139A>T, p.Met2047Leu (NM_014823.3); c.7639A>T, p.Met2547Leu (NM_213655.5); short protein forms M2547L, M2555L, M2047L, M2295L.
Identifiers: ClinVar variation 855515 (VCV000855515.11), dbSNP rs762667877, ClinGen allele CA6383526.

ClinVar aggregate classification (germline): Uncertain significance. Review status: criteria provided, multiple submitters, no conflicts (2 of 4 stars). 2 submissions from 2 submitters: Uncertain significance (2). Last evaluated 2025-08-29.

Conditions:
Pseudohypoaldosteronism type 2C (PHA2C). Also called: Pseudohypoaldosteronism Type IIC. Identifiers: Orphanet 757, Orphanet 88940, MedGen C1840391, MONDO:0013778, OMIM 614492.
Neuropathy, hereditary sensory and autonomic, type 2A (HSAN2A). Also called: ACROOSTEOLYSIS, GIACCAI TYPE; ACROOSTEOLYSIS, NEUROGENIC; MORVAN DISEASE; NEUROPATHY, CONGENITAL SENSORY; NEUROPATHY, HEREDITARY SENSORY RADICULAR, AUTOSOMAL RECESSIVE; NEUROPATHY, HEREDITARY SENSORY, TYPE IIA. Identifiers: Orphanet 970, MedGen C2752089, MONDO:0024309, OMIM 201300.

Allele frequency attached by ClinVar (database versions not stated): TOPMed below 0.00001; ExAC 0.00005.
gnomAD v4.1: 17 of 1,614,168 alleles (0.0011%); highest among the groups gnomAD compares: Admixed American, 0.023%; no homozygotes.

Submissions (2):

Labcorp Genetics (formerly Invitae), Labcorp
Classification: Uncertain significance for Neuropathy, hereditary sensory and autonomic, type 2A; Pseudohypoaldosteronism type 2C. Last evaluated: 2025-08-29. Review status: criteria provided, single submitter. Criteria: Invitae Variant Classification Sherloc (09022015). Collection method: clinical testing. Allele origin: germline.
Comment: This sequence change replaces methionine, which is neutral and non-polar, with leucine, which is neutral and non-polar, at codon 2547 of the WNK1 protein (p.Met2547Leu). This variant is present in population databases (rs762667877, gnomAD 0.04%). This variant has not been reported in the literature in individuals affected with WNK1-related conditions. ClinVar contains an entry for this variant (Variation ID: 855515). Invitae Evidence Modeling of protein sequence and biophysical properties (such as structural, functional, and spatial information, amino acid conservation, physicochemical variation, residue mobility, and thermodynamic stability) indicates that this missense variant is not expected to disrupt WNK1 protein function with a negative predictive value of 95%. In summary, the available evidence is currently insufficient to determine the role of this variant in disease. Therefore, it has been classified as a Variant of Uncertain Significance.

Fulgent Genetics
Classification: Uncertain significance for Neuropathy, hereditary sensory and autonomic, type 2A; Pseudohypoaldosteronism type 2C. Last evaluated: 2021-12-28. Review status: criteria provided, single submitter. Criteria: ACMG Guidelines, 2015. Collection method: clinical testing. Allele origin: unknown.